The following is an entry in ClinVar:

ClinVar aggregate classification (germline): Uncertain significance (1 of 4 stars; one submission).

Conditions:
Bloom syndrome (BLM). Also called: Bloom-Torre-Machacek syndrome. Identifiers: Orphanet 125, MedGen C0005859, MONDO:0008876, OMIM 210900.

Submission:

Labcorp Genetics (formerly Invitae), Labcorp
Classification: Uncertain significance for Bloom syndrome. Last evaluated: 2025-10-23. Review status: criteria provided, single submitter. Criteria: Invitae Variant Classification Sherloc (09022015). Collection method: clinical testing. Allele origin: germline.
Comment: This sequence change falls in intron 12 of the BLM gene. It does not directly change the encoded amino acid sequence of the BLM protein. This variant is not present in population databases (gnomAD no frequency). This variant has not been reported in the literature in individuals affected with BLM-related conditions. Studies have shown that this variant is associated with inconclusive levels of altered splicing (internal data). In summary, the available evidence is currently insufficient to determine the role of this variant in disease. Therefore, it has been classified as a Variant of Uncertain Significance.

NM_000057.4(BLM):c.2556-6T>A

Gene: BLM (BLM RecQ like helicase; plus strand). Cytogenetic location: 15q26.1.
Variant type: single nucleotide variant.
Coding change: c.2556-6T>A on transcript NM_000057.4 (MANE Select); 6 bases into the intron before coding-DNA position 2556, T replaced by A.
Molecular consequence: intron variant.
Genome position (GRCh38, 1-based): chr15:90,782,816, T>A. VCF-style: chr15-90782816-T-A. GRCh37 (hg19) VCF-style: chr15-91326046-T-A.
Other names: c.2556-6T>A (NM_001287246.2, NM_001287247.2); c.1431-6T>A (NM_001287248.2).
Identifiers: ClinVar variation 4772808 (VCV004772808.1).